The following is an entry in ClinVar:

NM_000796.6(DRD3):c.-286A>C

Gene: DRD3 (dopamine receptor D3; minus strand). Cytogenetic location: 3q13.31.
Variant type: single nucleotide variant.
Coding change: c.-286A>C on transcript NM_000796.6 (MANE Select); 286 bases upstream of the start codon, A replaced by C.
Molecular consequence: 5 prime UTR variant. On other transcripts: intron variant (1).
Genome position (GRCh38, 1-based): chr3:114,178,907, T>G on the plus strand (A>C on the coding strand, the complement: DRD3 is on the minus strand). VCF-style: chr3-114178907-T-G. GRCh37 (hg19) VCF-style: chr3-113897754-T-G.
Other names: c.-286A>C (NM_033663.6); c.-155-131A>C (NM_001282563.2).
Identifiers: ClinVar variation 342610 (VCV000342610.5), dbSNP rs190248679, ClinGen allele CA10614944.

ClinVar aggregate classification (germline): Likely benign (1 of 4 stars; one submission).

Conditions:
Tremor, hereditary essential, 1 (ETM1). Also called: Familial essential tremor. Identifiers: MedGen C1860861, MONDO:0008590, OMIM 190300.

Allele frequency attached by ClinVar (database versions not stated): gnomAD 0.00035 and 0.00120; TOPMed 0.00076; 1000 Genomes Project 30x 0.00593; 1000 Genomes Project 0.00699.

Submission:

Illumina Laboratory Services, Illumina
Classification: Likely benign for Tremor, hereditary essential, 1. Last evaluated: 2018-01-12. Review status: criteria provided, single submitter. Criteria: ICSL Variant Classification Criteria 13 December 2019. Collection method: clinical testing. Allele origin: germline.
Comment: This variant was observed in the ICSL laboratory as part of a predisposition screen in an ostensibly healthy population. It had not been previously curated by ICSL or reported in the Human Gene Mutation Database (HGMD: prior to June 1st, 2018), and was therefore a candidate for classification through an automated scoring system. Utilizing variant allele frequency, disease prevalence and penetrance estimates, and inheritance mode, an automated score was calculated to assess if this variant is too frequent to cause the disease. Based on the score and internal cut-off values, a variant classified as likely benign is not then subjected to further curation. The score for this variant resulted in a classification of likely benign for this disease.